The following is an entry in ClinVar:

ClinVar aggregate classification (germline): Uncertain significance (1 of 4 stars; one submission).

Conditions:
Spastic paraplegia. Identifiers: MedGen C0037772, HP:0001258.

Allele frequency attached by ClinVar (database versions not stated): gnomAD exomes below 0.00001; gnomAD 0.00001; TOPMed 0.00002.

Submission:

Labcorp Genetics (formerly Invitae), Labcorp
Classification: Uncertain significance for Spastic paraplegia. Last evaluated: 2022-07-29. Review status: criteria provided, single submitter. Criteria: Invitae Variant Classification Sherloc (09022015). Collection method: clinical testing. Allele origin: germline.
Comment: This sequence change replaces leucine, which is neutral and non-polar, with proline, which is neutral and non-polar, at codon 353 of the GJC2 protein (p.Leu353Pro). The frequency data for this variant in the population databases is considered unreliable, as metrics indicate poor data quality at this position in the gnomAD database. This variant has not been reported in the literature in individuals affected with GJC2-related conditions. ClinVar contains an entry for this variant (Variation ID: 1045224). Algorithms developed to predict the effect of missense changes on protein structure and function are either unavailable or do not agree on the potential impact of this missense change (SIFT: "Deleterious"; PolyPhen-2: "Benign"; Align-GVGD: "Class C0"). In summary, the available evidence is currently insufficient to determine the role of this variant in disease. Therefore, it has been classified as a Variant of Uncertain Significance.

NM_020435.4(GJC2):c.1058T>C (p.Leu353Pro)

Gene: GJC2 (gap junction protein gamma 2; plus strand). Cytogenetic location: 1q42.13.
Variant type: single nucleotide variant.
Coding change: c.1058T>C on transcript NM_020435.4 (MANE Select); coding-DNA position 1058, T replaced by C.
Protein change: p.Leu353Pro; replaces leucine 353 with proline.
Molecular consequence: missense variant.
Genome position (GRCh38, 1-based): chr1:228,158,816, T>C. VCF-style: chr1-228158816-T-C. GRCh37 (hg19) VCF-style: chr1-228346517-T-C.
Other names: short protein forms L353P.
Identifiers: ClinVar variation 1045224 (VCV001045224.8), dbSNP rs905863745, ClinGen allele CA38728285.